The following is an entry in ClinVar:

NM_000268.4(NF2):c.996G>T (p.Lys332Asn)

Gene: NF2 (NF2, moesin-ezrin-radixin like (MERLIN) tumor suppressor; plus strand). Cytogenetic location: 22q12.2.
Variant type: single nucleotide variant.
Coding change: c.996G>T on transcript NM_000268.4 (MANE Select); coding-DNA position 996, G replaced by T.
Protein change: p.Lys332Asn; replaces lysine 332 with asparagine.
Molecular consequence: missense variant. On other transcripts: non-coding transcript variant (1), intron variant (1).
Genome position (GRCh38, 1-based): chr22:29,668,443, G>T. VCF-style: chr22-29668443-G-T. GRCh37 (hg19) VCF-style: chr22-30064432-G-T.
Other names: c.870G>T, p.Lys290Asn (NM_001407055.1, NM_181828.3); c.882G>T, p.Lys294Asn (NM_001407056.1, NM_001407053.1); c.861G>T, p.Lys287Asn (NM_001407057.1, NM_001407059.1); c.873G>T, p.Lys291Asn (NM_001407058.1, NM_181829.3, NM_001407054.1); c.996G>T, p.Lys332Asn (NM_001407060.1, NM_001407066.1, NM_016418.5 and 2 more transcripts); c.738G>T, p.Lys246Asn (NM_001407062.1); c.747G>T, p.Lys249Asn (NM_001407063.1, NM_001407064.1, NM_181830.3 and 1 more transcripts); c.462G>T, p.Lys154Asn (NM_001407065.1); and 2 more; short protein forms K154N, K246N, K255N, K291N, K294N, K287N, K290N, K332N.
Identifiers: ClinVar variation 3299427 (VCV003299427.1).

ClinVar aggregate classification (germline): Uncertain significance (1 of 4 stars; one submission).

Conditions:
Hereditary cancer-predisposing syndrome. Also called: Tumor predisposition; Hereditary Cancer Syndrome; Hereditary neoplastic syndrome; Neoplastic Syndromes, Hereditary. Identifiers: Orphanet 140162, MedGen C0027672, MeSH D009386, MONDO:0015356.

Submission:

Ambry Genetics
Classification: Uncertain significance for Hereditary cancer-predisposing syndrome. Last evaluated: 2024-04-25. Review status: criteria provided, single submitter. Criteria: Ambry Variant Classification Scheme 2023. Collection method: clinical testing. Allele origin: germline.
Comment: The p.K332N variant (also known as c.996G>T), located in coding exon 10 of the NF2 gene, results from a G to T substitution at nucleotide position 996. The lysine at codon 332 is replaced by asparagine, an amino acid with similar properties. This amino acid position is conserved. In addition, the in silico prediction for this alteration is inconclusive. Based on the available evidence, the clinical significance of this variant remains unclear.